The following is an entry in ClinVar:

NM_198253.3(TERT):c.2511C>T (p.Leu837=)

Gene: TERT (telomerase reverse transcriptase; minus strand). Cytogenetic location: 5p15.33.
Variant type: single nucleotide variant.
Coding change: c.2511C>T on transcript NM_198253.3 (MANE Select); coding-DNA position 2511, C replaced by T.
Protein change: p.Leu837=; no amino-acid change (leucine 837 retained).
Molecular consequence: synonymous variant. On other transcripts: non-coding transcript variant (2).
Genome position (GRCh38, 1-based): chr5:1,268,591, G>A on the plus strand (C>T on the coding strand, the complement: TERT is on the minus strand). VCF-style: chr5-1268591-G-A. GRCh37 (hg19) VCF-style: chr5-1268706-G-A.
Other names: c.2511C>T, p.Leu837= (NM_001193376.3).
Identifiers: ClinVar variation 700969 (VCV000700969.14), dbSNP rs374940572, ClinGen allele CA3184474.
Genomic context (GRCh38, chr5:1,268,591, plus strand): 5'-AATCCCCGCAAACAGCTTGTTCTCCATGTCGCCGTAGCACAGGCTGCAGAGCAGCGTGGA[G>A]AGGATGGAGCCCTGCGGGATCCCCTGGCACTGGACGTAGGACCTGGGGCGGGAAGACACA-3'
Protein context (NP_937983.2, residues 827-847): QCQGIPQGSI[Leu837=]STLLCSLCYG

ClinVar aggregate classification (germline): Likely benign. Review status: criteria provided, multiple submitters, no conflicts (2 of 4 stars). 3 submissions from 3 submitters: Likely benign (3). Last evaluated 2026-01-18.

Conditions:
Idiopathic Pulmonary Fibrosis. Also called: Idiopathic fibrosing alveolitis, chronic form; idiopathic fibrosing alveolitis. Identifiers: Orphanet 2032, MedGen C1800706, MeSH D054990, MONDO:0800504.
Dyskeratosis congenita, autosomal dominant 2. Identifiers: MedGen C3151443, MONDO:0013521, OMIM 613989.
TERT-related disorder. Also called: TERT-related condition; TERT-related disorders.
Dyskeratosis congenita. Identifiers: Orphanet 1775, MedGen C0265965, MONDO:0015780.

Allele frequency attached by ClinVar (database versions not stated): gnomAD 0.00001 and 0.00003; TOPMed 0.00003; gnomAD exomes 0.00008; ExAC 0.00010.
gnomAD v4.1: 73 of 1,613,380 alleles (0.0045%); highest among the groups gnomAD compares: East Asian, 0.065%; 1 homozygote.

Submissions (3):

Labcorp Genetics (formerly Invitae), Labcorp
Classification: Likely benign for Dyskeratosis congenita, autosomal dominant 2; Idiopathic Pulmonary Fibrosis. Last evaluated: 2026-01-18. Review status: criteria provided, single submitter. Criteria: Invitae Variant Classification Sherloc (09022015). Collection method: clinical testing. Allele origin: germline.

PreventionGenetics, part of Exact Sciences
Classification: Likely benign for TERT-related condition. Last evaluated: 2025-05-24. Review status: criteria provided, single submitter. Criteria: ACMG Guidelines, 2015. Collection method: clinical testing. Allele origin: germline.
Comment: This variant is classified as likely benign based on ACMG/AMP sequence variant interpretation guidelines (Richards et al. 2015 PMID: 25741868, with internal and published modifications).

Ambry Genetics
Classification: Likely benign for Dyskeratosis congenita. Last evaluated: 2022-08-17. Review status: criteria provided, single submitter. Criteria: Ambry Variant Classification Scheme 2023. Collection method: clinical testing. Allele origin: germline.